The following is an entry in ClinVar:

ClinVar aggregate classification (germline): Uncertain significance. Review status: criteria provided, multiple submitters, no conflicts (2 of 4 stars). 8 submissions from 8 submitters: Uncertain significance (6). 2 of the submissions do not count toward it. Last evaluated 2025-01-18.

Conditions:
VPS13B-related disorder. Also called: VPS13B-related condition.
Inborn genetic diseases. Identifiers: MedGen C0950123, MeSH D030342.
Cohen syndrome (COH1). Also called: PEPPER SYNDROME; Cutis verticis gyrata, retinitis pigmentosa, and sensorineural deafness. Identifiers: Orphanet 193, MedGen C0265223, MONDO:0008999, OMIM 216550.

Allele frequency attached by ClinVar (database versions not stated): gnomAD 0.00004; TOPMed 0.00002; ESP Exome Variant Server 0.00008.
gnomAD v4.1: 74 of 1,613,900 alleles (0.0046%); highest among the groups gnomAD compares: Non-Finnish European, 0.006%; no homozygotes.

Submissions (8):

Labcorp Genetics (formerly Invitae), Labcorp
Classification: Uncertain significance for Cohen syndrome. Last evaluated: 2025-01-18. Review status: criteria provided, single submitter. Criteria: Invitae Variant Classification Sherloc (09022015). Collection method: clinical testing. Allele origin: germline.
Comment: This sequence change replaces isoleucine, which is neutral and non-polar, with leucine, which is neutral and non-polar, at codon 2236 of the VPS13B protein (p.Ile2236Leu). This variant is present in population databases (rs369932118, gnomAD 0.004%). This variant has not been reported in the literature in individuals affected with VPS13B-related conditions. ClinVar contains an entry for this variant (Variation ID: 95862). Invitae Evidence Modeling of protein sequence and biophysical properties (such as structural, functional, and spatial information, amino acid conservation, physicochemical variation, residue mobility, and thermodynamic stability) indicates that this missense variant is not expected to disrupt VPS13B protein function with a negative predictive value of 80%. In summary, the available evidence is currently insufficient to determine the role of this variant in disease. Therefore, it has been classified as a Variant of Uncertain Significance.

Ambry Genetics
Classification: Uncertain significance for Inborn genetic diseases. Last evaluated: 2024-04-04. Review status: criteria provided, single submitter. Criteria: Ambry Variant Classification Scheme 2023. Collection method: clinical testing. Allele origin: germline.

Blueprint Genetics
Classification: Uncertain significance. Last evaluated: 2022-07-27. Review status: criteria provided, single submitter. Criteria: ACMG Guidelines, 2015. Collection method: clinical testing. Allele origin: germline.

GeneDx
Classification: Uncertain significance. Last evaluated: 2019-10-10. Review status: criteria provided, single submitter. Criteria: GeneDx Variant Classification Process June 2021. Collection method: clinical testing. Allele origin: germline. Affected: yes.
Comment: Has not been previously published as pathogenic or benign to our knowledge; Not observed at a significant frequency in large population cohorts (Lek et al., 2016); In silico analysis, which includes protein predictors and evolutionary conservation, supports that this variant does not alter protein structure/function

Genetic Services Laboratory, University of Chicago
Classification: Uncertain significance. Last evaluated: 2016-07-28. Review status: criteria provided, single submitter. Criteria: ACMG Guidelines, 2015. Collection method: clinical testing. Allele origin: germline. Affected: no.

Eurofins Ntd Llc (ga)
Classification: Uncertain significance. Last evaluated: 2013-08-28. Review status: criteria provided, single submitter. Criteria: EGL Classification Definitions 2015. Collection method: clinical testing. Allele origin: germline. Observed: 1 variant allele, 1 heterozygote.

PreventionGenetics, part of Exact Sciences
Classification: Uncertain significance for VPS13B-related condition. Last evaluated: 2024-02-05. Review status: no assertion criteria provided. Collection method: clinical testing. Allele origin: germline. Not counted in ClinVar's aggregate classification.
Comment: The VPS13B c.6631A>C variant is predicted to result in the amino acid substitution p.Ile2211Leu. To our knowledge, this variant has not been reported in the literature. This variant is reported in 0.0044% of alleles in individuals of European (Non-Finnish) descent in gnomAD. At this time, the clinical significance of this variant is uncertain due to the absence of conclusive functional and genetic evidence.

Natera, Inc.
Classification: Uncertain significance for Cohen syndrome. Last evaluated: 2020-01-24. Review status: no assertion criteria provided. Collection method: clinical testing. Allele origin: germline. Not counted in ClinVar's aggregate classification.

NM_152564.5(VPS13B):c.6631A>C (p.Ile2211Leu)

Gene: VPS13B (vacuolar protein sorting 13 homolog B; plus strand). Cytogenetic location: 8q22.2.
Variant type: single nucleotide variant.
Coding change: c.6631A>C on transcript NM_152564.5 (MANE Select); coding-DNA position 6631, A replaced by C.
Protein change: p.Ile2211Leu; replaces isoleucine 2211 with leucine.
Molecular consequence: missense variant.
Genome position (GRCh38, 1-based): chr8:99,717,347, A>C. VCF-style: chr8-99717347-A-C. GRCh37 (hg19) VCF-style: chr8-100729575-A-C.
Other names: c.6631A>C (NM_152564.4); c.6706A>C (NM_017890.3); c.6706A>C, p.Ile2236Leu (NM_017890.5); short protein forms I2211L.
Identifiers: ClinVar variation 95862 (VCV000095862.31), dbSNP rs369932118, ClinGen allele CA223479.
Genomic context (GRCh38, chr8:99,717,347, plus strand): 5'-GCTAAGTGGTGTAAACACAGCGGGAATCCAGGCCCAGAACAATCCATACCAAAAATATCC[A>C]TTGACTTAAGAGGAGGTCTACTACAGGTCTGTGGGTATTGGCCATATTTTTTTCATAGGT-3'
Protein context (NP_689777.3, residues 2201-2221): GPEQSIPKIS[Ile2211Leu]DLRGGLLQVF